The following is an entry in ClinVar:

NM_004560.4(ROR2):c.871A>G (p.Met291Val)

Gene: ROR2 (ROR family WNT receptor 2; minus strand). Cytogenetic location: 9q22.31.
Variant type: single nucleotide variant.
Coding change: c.871A>G on transcript NM_004560.4 (MANE Select); coding-DNA position 871, A replaced by G.
Protein change: p.Met291Val; replaces methionine 291 with valine.
Molecular consequence: missense variant.
Genome position (GRCh38, 1-based): chr9:91,733,188, T>C on the plus strand (A>G on the coding strand, the complement: ROR2 is on the minus strand). VCF-style: chr9-91733188-T-C. GRCh37 (hg19) VCF-style: chr9-94495470-T-C.
Other names: c.871A>G (NM_004560.3); c.871A>G, p.Met291Val (NM_001318204.2); short protein forms M291V.
Identifiers: ClinVar variation 497121 (VCV000497121.12), dbSNP rs150364724, ClinGen allele CA5120868.

ClinVar aggregate classification (germline): Uncertain significance. Review status: criteria provided, multiple submitters, no conflicts (2 of 4 stars). 5 submissions from 5 submitters: Uncertain significance (5). Last evaluated 2026-02-21.

Conditions:
ROR2-related disorder. Also called: ROR2-related disorders; ROR2-related condition.
Inborn genetic diseases. Identifiers: MedGen C0950123, MeSH D030342.
Autosomal recessive Robinow syndrome (RRS1). Also called: COSTOVERTEBRAL SEGMENTATION DEFECT WITH MESOMELIA; COVESDEM SYNDROME; ROR2-Related Robinow Syndrome; ROBINOW SYNDROME, AUTOSOMAL RECESSIVE 1. Identifiers: Orphanet 1507, Orphanet 97360, MedGen C5399974, MONDO:0009999, OMIM 268310.
Brachydactyly type B1 (BDB1). Identifiers: Orphanet 572385, Orphanet 93383, MedGen C1862112, MONDO:0007220, OMIM 113000.

Allele frequency attached by ClinVar (database versions not stated): gnomAD exomes 0.00002 and 0.00005; ExAC 0.00008; gnomAD 0.00017 and 0.00019; TOPMed 0.00021; ESP Exome Variant Server 0.00046.
gnomAD v4.1: 48 of 1,610,300 alleles (0.003%); highest among the groups gnomAD compares: African/African-American, 0.059%; no homozygotes.

Submissions (5):

PreventionGenetics, part of Exact Sciences
Classification: Uncertain significance for ROR2-related condition. Last evaluated: 2026-02-21. Review status: criteria provided, single submitter. Criteria: ACMG Guidelines, 2015. Collection method: clinical testing. Allele origin: germline.
Comment: The ROR2 c.871A>G variant is predicted to result in the amino acid substitution p.Met291Val. To our knowledge, this variant has not been reported in the literature. This variant is reported in 0.067% of alleles in individuals of African descent in gnomAD, which may be too common to be causative. Although we suspect that this variant may be benign, at this time, the clinical significance of this variant is uncertain due to the absence of conclusive functional and genetic evidence.

Labcorp Genetics (formerly Invitae), Labcorp
Classification: Uncertain significance. Last evaluated: 2024-12-15. Review status: criteria provided, single submitter. Criteria: Invitae Variant Classification Sherloc (09022015). Collection method: clinical testing. Allele origin: germline.
Comment: This sequence change replaces methionine, which is neutral and non-polar, with valine, which is neutral and non-polar, at codon 291 of the ROR2 protein (p.Met291Val). This variant is present in population databases (rs150364724, gnomAD 0.06%). This variant has not been reported in the literature in individuals affected with ROR2-related conditions. ClinVar contains an entry for this variant (Variation ID: 497121). Invitae Evidence Modeling of protein sequence and biophysical properties (such as structural, functional, and spatial information, amino acid conservation, physicochemical variation, residue mobility, and thermodynamic stability) indicates that this missense variant is not expected to disrupt ROR2 protein function with a negative predictive value of 80%. In summary, the available evidence is currently insufficient to determine the role of this variant in disease. Therefore, it has been classified as a Variant of Uncertain Significance.

Ambry Genetics
Classification: Uncertain significance for Inborn genetic diseases. Last evaluated: 2024-07-22. Review status: criteria provided, single submitter. Criteria: Ambry Variant Classification Scheme 2023. Collection method: clinical testing. Allele origin: germline.

Fulgent Genetics
Classification: Uncertain significance for Brachydactyly type B1; Autosomal recessive Robinow syndrome. Last evaluated: 2024-06-17. Review status: criteria provided, single submitter. Criteria: ACMG Guidelines, 2015. Collection method: clinical testing. Allele origin: germline.

Eurofins Ntd Llc (ga)
Classification: Uncertain significance. Last evaluated: 2017-05-11. Review status: criteria provided, single submitter. Criteria: EGL Classification Definitions 2015. Collection method: clinical testing. Allele origin: germline. Observed: 1 variant allele, 1 heterozygote.